The following is an entry in ClinVar:

ClinVar aggregate classification (germline): Likely benign. Review status: criteria provided, single submitter (1 of 4 stars). 2 submissions from 2 submitters: Likely benign (1). 1 of the submissions does not count toward it. Last evaluated 2021-07-26.

Conditions:
PDHX-related disorder. Also called: PDHX-related condition.

Allele frequency attached by ClinVar (database versions not stated): gnomAD exomes 0.00002 and 0.00003; gnomAD 0.00006; TOPMed 0.00009.
gnomAD v4.1: 19 of 1,613,576 alleles (0.0012%); highest among the groups gnomAD compares: Admixed American, 0.032%; no homozygotes.

Submissions (2):

Labcorp Genetics (formerly Invitae), Labcorp
Classification: Likely benign. Last evaluated: 2021-07-26. Review status: criteria provided, single submitter. Criteria: Invitae Variant Classification Sherloc (09022015). Collection method: clinical testing. Allele origin: germline.

PreventionGenetics, part of Exact Sciences
Classification: Likely benign for PDHX-related condition. Last evaluated: 2019-05-02. Review status: no assertion criteria provided. Collection method: clinical testing. Allele origin: germline. Not counted in ClinVar's aggregate classification.
Comment: This variant is classified as likely benign based on ACMG/AMP sequence variant interpretation guidelines (Richards et al. 2015 PMID: 25741868, with internal and published modifications).

NM_003477.3(PDHX):c.1024-9T>G

Gene: PDHX (pyruvate dehydrogenase complex component X; plus strand). Cytogenetic location: 11p13.
Variant type: single nucleotide variant.
Coding change: c.1024-9T>G on transcript NM_003477.3 (MANE Select); 9 bases into the intron before coding-DNA position 1024, T replaced by G.
Molecular consequence: intron variant.
Genome position (GRCh38, 1-based): chr11:34,984,561, T>G. VCF-style: chr11-34984561-T-G. GRCh37 (hg19) VCF-style: chr11-35006108-T-G.
Other names: c.1024-9T>G (NM_003477.2); c.844-9T>G (NM_001135024.2); c.343-9T>G (NM_001166158.2).
Identifiers: ClinVar variation 1152586 (VCV001152586.11), dbSNP rs1397269544, ClinGen allele CA598467860.